The following is an entry in ClinVar:

ClinVar aggregate classification (germline): Pathogenic. Review status: criteria provided, multiple submitters, no conflicts (2 of 4 stars). 7 submissions from 7 submitters: Pathogenic (6). 1 of the submissions does not count toward it. Last evaluated 2025-05-23.

Conditions:
COL1A1-related disorder. Also called: COL1A1- related disease; COL1A1-related condition.
Osteogenesis imperfecta type III (OI3). Also called: Osteogenesis imperfecta type 3; OI type 3; Osteogenesis imperfecta, progressively deforming with normal sclerae; OI type III; Progressively Deforming Osteogenesis Imperfecta. Identifiers: Orphanet 216812, Orphanet 666, MedGen C0268362, MONDO:0009804, OMIM 259420.
Osteogenesis imperfecta, perinatal lethal (OI2). Also called: Osteogenesis imperfecta type 2; OSTEOGENESIS IMPERFECTA, TYPE II; OI, TYPE II; OSTEOGENESIS IMPERFECTA CONGENITA; Osteogenesis imperfecta, dominant perinatal lethal; VROLIK TYPE OF OSTEOGENESIS IMPERFECTA. Identifiers: Orphanet 216804, MedGen C0268358, MONDO:0008147, OMIM 166210.
Osteogenesis imperfecta type I (OI1). Also called: Lobstein disease; OI, TYPE I; OSTEOGENESIS IMPERFECTA TARDA; OSTEOGENESIS IMPERFECTA WITH BLUE SCLERAE; Classic Non-deforming Osteogenesis Imperfecta with Blue Sclerae; Osteogenesis imperfecta type 1. Identifiers: Orphanet 216796, Orphanet 666, MedGen C0023931, MONDO:0008146, OMIM 166200. Disease mechanism: loss of function.

Submissions (7):

Clinical Biomedical Laboratory, Shriners Hospital For Children - Canada
Classification: Pathogenic for Osteogenesis imperfecta type III. Last evaluated: 2025-05-23. Review status: criteria provided, single submitter. Criteria: ACMG Guidelines, 2015. Collection method: clinical testing. Allele origin: germline. Affected: yes.
Comment: This variant is predicted to substitute a glycine residue by a serine residue in the alpha 1 chain of collagen type I. Glycine substitutions in the triple helical domain of collagen type I cause disruption in the formation of the triple helix in the collagen molecule and are a typical cause of osteogenesis imperfecta. This variant is absent from the Genome Aggregation Database (v2.1.1). The variant is predicted to be deleterious to protein function (Revel 1.00). This specific variant has been reported in the literature (PMID 27509835;11317364)

ARUP Laboratories, Molecular Genetics and Genomics, ARUP Laboratories
Classification: Pathogenic. Last evaluated: 2024-12-05. Review status: criteria provided, single submitter. Criteria: ARUP Molecular Germline Variant Investigation Process 2024. Collection method: clinical testing. Allele origin: germline.
Comment: The COL1A1 c.2110G>A; p.Gly704Ser variant (rs67368147), also reported as Gly526Ser, has been described in individuals affected with osteogenesis imperfecta (OI; see link to OI database and references therein, Ward 2001). It is absent from general population databases (Exome Variant Server and Genome Aggregation Database), indicating it is not a common polymorphism. This variant disrupts the repeating Gly-X-Y sequence motif of the collagen triple helix and is predicted to impair collagen function (Ben Amor 2011). Additionally, another amino acid change at this position (c.2110G>T; p.Gly704Cys) has been reported in association with OI and is considered pathogenic (Starman 1989). Based on available information, the p.Gly704Ser variant is considered pathogenic. REFERENCES Link to OI variant database: Ben Amor I et al. Genotype-phenotype correlations in autosomal dominant osteogenesis imperfecta. J Osteoporos. 2011; 2011:540178. Starman B et al. Osteogenesis imperfecta. The position of substitution for glycine by cysteine in the triple helical domain of the pro alpha 1(I) chains of type I collagen determines the clinical phenotype. J Clin Invest. 1989 Oct;84(4):1206-14. Ward L et al. Thirty-three novel COL1A1 and COL1A2 mutations in patients with osteogenesis imperfecta types I-IV. Hum Mutat. 2001 May;17(5):434.

Blueprint Genetics
Classification: Pathogenic for COL1A1-related disorders. Last evaluated: 2022-11-15. Review status: criteria provided, single submitter. Criteria: ACMG Guidelines, 2015. Collection method: clinical testing. Allele origin: germline. Affected: yes. Observed: 2 variant alleles.

GeneDx
Classification: Pathogenic. Last evaluated: 2022-07-27. Review status: criteria provided, single submitter. Criteria: GeneDx Variant Classification Process June 2021. Collection method: clinical testing. Allele origin: germline. Affected: yes.
Comment: Occurs in the triple helical domain and replaces the Glycine in the canonical Gly-X-Y repeat. Missense substitution of a canonical Glycine residue is expected to disrupt normal protein folding and function, and this is an established mechanism of disease.; Not observed in large population cohorts (gnomAD); In silico analysis supports that this missense variant has a deleterious effect on protein structure/function; This variant is associated with the following publications: (PMID: 11317364, 21239989, 17078022, 30266093)

Medical Genetics Center, Maternal and Child Health Hospital of Hubei Province
Classification: Pathogenic for Osteogenesis imperfecta, perinatal lethal. Last evaluated: 2022-07-27. Review status: criteria provided, single submitter. Criteria: ACMG Guidelines, 2015. Collection method: clinical testing. Allele origin: de novo. Affected: yes.

Labcorp Genetics (formerly Invitae), Labcorp
Classification: Pathogenic for Osteogenesis imperfecta type I. Last evaluated: 2021-05-29. Review status: criteria provided, single submitter. Criteria: Invitae Variant Classification Sherloc (09022015). Collection method: clinical testing. Allele origin: germline.
Comment: Advanced modeling of protein sequence and biophysical properties (such as structural, functional, and spatial information, amino acid conservation, physicochemical variation, residue mobility, and thermodynamic stability) performed at Invitae indicates that this missense variant is expected to disrupt COL1A1 protein function. For these reasons, this variant has been classified as Pathogenic. This variant disrupts the triple helix domain of COL1A1. Glycine residues within the Gly-Xaa-Yaa repeats of the triple helix domain are required for the structure and stability of fibrillar collagens (PMID: 7695699, 8218237, 19344236). In COL1A1, variants affecting these glycine residues are significantly enriched in individuals with disease (PMID: 9016532, 17078022) compared to the general population (ExAC). This variant has been observed in individual(s) with clinical features of osteogenesis imperfecta (PMID: 11317364, 30266093, 17078022). This variant is also known as G526S. ClinVar contains an entry for this variant (Variation ID: 811940). This variant is not present in population databases (ExAC no frequency). This sequence change replaces glycine with serine at codon 704 of the COL1A1 protein (p.Gly704Ser). The glycine residue is highly conserved and there is a small physicochemical difference between glycine and serine.

Institute of Medical Genetics and Genomics, Sir Ganga Ram Hospital
Classification: Pathogenic for Osteogenesis imperfecta, perinatal lethal. Last evaluated: 2022-01-30. Review status: no assertion criteria provided. Collection method: clinical testing. Allele origin: de novo. Inheritance: Autosomal dominant inheritance. Affected: yes. Observed: 1 heterozygote. Not counted in ClinVar's aggregate classification.
Comment: The heterozygous mis-sense insertion variant c.2110G>A (p.G704S) has been previously reported by Normand E A et al in 2018 and it has not been observed in gnomAD and 1000g. In-silico bioinformatic software predict this variant by mutation taster as Disease causing and SIFT & PROVEAN as Damaging. Osteogenesis Imperfecta type II is an autosomal dominant disorder. Based on the phenotypic observation, we classify this variant as pathogenic.

Literature cited by the submitters: PubMed 27509835 (cited by Clinical Biomedical Laboratory, Shriners Hospital For Children - Canada); PubMed 11317364 (cited by 3 submitters); PubMed 30266093 (cited by Medical Genetics Center, Maternal and Child Health Hospital of Hubei Province and Labcorp Genetics (formerly Invitae), Labcorp); PubMed 7695699 (cited by Labcorp Genetics (formerly Invitae), Labcorp); PubMed 8218237 (cited by Labcorp Genetics (formerly Invitae), Labcorp); PubMed 19344236 (cited by Labcorp Genetics (formerly Invitae), Labcorp); PubMed 9016532 (cited by Labcorp Genetics (formerly Invitae), Labcorp); PubMed 17078022 (cited by Labcorp Genetics (formerly Invitae), Labcorp); PubMed 21239989 (cited by Institute of Medical Genetics and Genomics, Sir Ganga Ram Hospital).

NM_000088.4(COL1A1):c.2110G>A (p.Gly704Ser)

Gene: COL1A1 (collagen type I alpha 1 chain; minus strand). Cytogenetic location: 17q21.33.
Variant type: single nucleotide variant.
Coding change: c.2110G>A on transcript NM_000088.4 (MANE Select); coding-DNA position 2110, G replaced by A.
Protein change: p.Gly704Ser; replaces glycine 704 with serine.
Molecular consequence: missense variant.
Genome position (GRCh38, 1-based): chr17:50,191,805, C>T on the plus strand (G>A on the coding strand, the complement: COL1A1 is on the minus strand). VCF-style: chr17-50191805-C-T. GRCh37 (hg19) VCF-style: chr17-48269166-C-T.
Other names: short protein forms G704S.
Identifiers: ClinVar variation 811940 (VCV000811940.25), dbSNP rs67368147, ClinGen allele CA291544042.